The following is an entry in ClinVar:

ClinVar aggregate classification (germline): Uncertain significance (1 of 4 stars; one submission).

Submission:

Athena Diagnostics
Classification: Uncertain significance. Last evaluated: 2024-08-22. Review status: criteria provided, single submitter. Criteria: Athena Diagnostics Criteria. Collection method: clinical testing. Allele origin: unknown.
Comment: Available data are insufficient to determine the clinical significance of the variant at this time. This variant has not been reported in large, multi-ethnic general populations. Polyphen and MutationTaster predict this amino acid change may be benign.

NM_002739.5(PRKCG):c.2069G>A (p.Ser690Asn)

Gene: PRKCG (protein kinase C gamma; plus strand). Cytogenetic location: 19q13.42.
Variant type: single nucleotide variant.
Coding change: c.2069G>A on transcript NM_002739.5 (MANE Select); coding-DNA position 2069, G replaced by A.
Protein change: p.Ser690Asn; replaces serine 690 with asparagine.
Molecular consequence: missense variant.
Genome position (GRCh38, 1-based): chr19:53,906,870, G>A. VCF-style: chr19-53906870-G-A. GRCh37 (hg19) VCF-style: chr19-54410124-G-A.
Other names: c.2069G>A, p.Ser690Asn (NM_001316329.2); short protein forms S690N.
Identifiers: ClinVar variation 3571716 (VCV003571716.1).